The following is an entry in ClinVar:

NM_002336.3(LRP6):c.2599A>G (p.Thr867Ala)

Gene: LRP6 (LDL receptor related protein 6; minus strand). Cytogenetic location: 12p13.2.
Variant type: single nucleotide variant.
Coding change: c.2599A>G on transcript NM_002336.3 (MANE Select); coding-DNA position 2599, A replaced by G.
Protein change: p.Thr867Ala; replaces threonine 867 with alanine.
Molecular consequence: missense variant.
Genome position (GRCh38, 1-based): chr12:12,159,021, T>C on the plus strand (A>G on the coding strand, the complement: LRP6 is on the minus strand). VCF-style: chr12-12159021-T-C. GRCh37 (hg19) VCF-style: chr12-12311955-T-C.
Other names: short protein forms T867A.
Identifiers: ClinVar variation 1255574 (VCV001255574.5), dbSNP rs141458215, ClinGen allele CA6455416.

ClinVar aggregate classification (germline): Uncertain significance. Review status: criteria provided, single submitter (1 of 4 stars). 2 submissions from 2 submitters: Uncertain significance (1). 1 of the submissions does not count toward it. Last evaluated 2026-01-21.

Conditions:
Autosomal dominant polycystic liver disease. Also called: Polycystic liver disease; Congenital cystic disease of liver. Identifiers: Orphanet 2924, MedGen C0158683, MONDO:0000447, HP:0006557.

Allele frequency attached by ClinVar (database versions not stated): gnomAD 0.00014 and 0.00015; TOPMed 0.00012; gnomAD exomes 0.00013 and 0.00014; ExAC 0.00012.
gnomAD v4.1: 226 of 1,614,084 alleles (0.014%); highest among the groups gnomAD compares: Non-Finnish European, 0.018%; no homozygotes.

Submissions (2):

Labcorp Genetics (formerly Invitae), Labcorp
Classification: Uncertain significance. Last evaluated: 2026-01-21. Review status: criteria provided, single submitter. Criteria: Invitae Variant Classification Sherloc (09022015). Collection method: clinical testing. Allele origin: germline.
Comment: This sequence change replaces threonine, which is neutral and polar, with alanine, which is neutral and non-polar, at codon 867 of the LRP6 protein (p.Thr867Ala). This variant is present in population databases (rs141458215, gnomAD 0.03%), and has an allele count higher than expected for a pathogenic variant. This variant has not been reported in the literature in individuals affected with LRP6-related conditions. ClinVar contains an entry for this variant (Variation ID: 1255574). Invitae Evidence Modeling of protein sequence and biophysical properties (such as structural, functional, and spatial information, amino acid conservation, physicochemical variation, residue mobility, and thermodynamic stability) indicates that this missense variant is not expected to disrupt LRP6 protein function with a negative predictive value of 80%. Experimental studies are conflicting or provide insufficient evidence to determine the effect of this variant on LRP6 function (PMID: 26901136). In summary, the available evidence is currently insufficient to determine the role of this variant in disease. Therefore, it has been classified as a Variant of Uncertain Significance.

Laboratory of Gastroenterology and Hepatology, Radboud University Medical Center
Classification: Uncertain significance for Autosomal dominant polycystic liver disease. Last evaluated: 2021-09-01. Review status: no assertion criteria provided. Collection method: research. Allele origin: germline. Affected: yes. Not counted in ClinVar's aggregate classification.

Literature cited by the submitters: PubMed 26901136 (cited by Labcorp Genetics (formerly Invitae), Labcorp).